The following is an entry in ClinVar:

NC_000013.11:g.20365207_20496559del

Genes: MIR4499 (microRNA 4499; minus strand), GJB2 (gap junction protein beta 2; minus strand), CRYL1 (crystallin lambda 1; minus strand), LOC130009318 (ATAC-STARR-seq lymphoblastoid active region 7420; plus strand), LOC130009321 (ATAC-STARR-seq lymphoblastoid active region 7423; plus strand) and 6 more. Cytogenetic location: 13q12.11.
Variant type: Deletion.
Other names: ~131.4-kbdeletion.
Identifiers: ClinVar variation 253028 (VCV000253028.1).

ClinVar aggregate classification (germline): Pathogenic (0 of 4 stars; one submission).

Conditions:
Autosomal recessive nonsyndromic hearing loss 1A (DFNB1A). Also called: Nonsyndromic Hearing Loss and Deafness, DFNB1; GJB2-Related Autosomal Recessive Nonsyndromic Hearing Loss; GJB6-Related DFNB 1 Nonsyndromic Hearing Loss and Deafness; Deafness, autosomal recessive 1A; Connexin 26 deafness; Deafness nonsyndromic, Connexin 26 linked. Identifiers: Orphanet 90636, MedGen C2673759, MONDO:0009076, OMIM 220290.

Submission:

GeneReviews
Classification: Pathogenic for Autosomal recessive nonsyndromic hearing loss 1A. Last evaluated: 2016-08-18. Review status: no assertion criteria provided. Collection method: literature only. Allele origin: germline. Affected: yes.
Comment: ~131.4-kb deletion with a proximal breakpoint more than 100 kb upstream of the transcriptional start sites of GJB2 and GJB6. Reference sequence: NC_000013.9

Literature cited by the submitters: PubMed 20236118.